The following is an entry in ClinVar:

NM_007262.5(PARK7):c.511G>T (p.Ala171Ser)

Gene: PARK7 (Parkinsonism associated deglycase; plus strand). Cytogenetic location: 1p36.23.
Variant type: single nucleotide variant.
Coding change: c.511G>T on transcript NM_007262.5 (MANE Select); coding-DNA position 511, G replaced by T.
Protein change: p.Ala171Ser; replaces alanine 171 with serine.
Molecular consequence: missense variant.
Genome position (GRCh38, 1-based): chr1:7,984,995, G>T. VCF-style: chr1-7984995-G-T. GRCh37 (hg19) VCF-style: chr1-8045055-G-T.
Other names: c.511G>T, p.Ala171Ser (NM_001123377.2); short protein forms A171S.
Identifiers: ClinVar variation 582678 (VCV000582678.8), dbSNP rs777026628, ClinGen allele CA569644.

ClinVar aggregate classification (germline): Uncertain significance (1 of 4 stars; one submission).

Conditions:
Autosomal recessive early-onset Parkinson disease 7. Identifiers: Orphanet 2828, MedGen C1853445, MONDO:0011658, OMIM 606324.

Allele frequency attached by ClinVar (database versions not stated): gnomAD exomes below 0.00001; ExAC 0.00001.
gnomAD v4.1: 2 of 1,614,206 alleles (0.00012%); highest among the groups gnomAD compares: Admixed American, 0.0017%; no homozygotes.

Submission:

Labcorp Genetics (formerly Invitae), Labcorp
Classification: Uncertain significance for Autosomal recessive early-onset Parkinson disease 7. Last evaluated: 2018-06-26. Review status: criteria provided, single submitter. Criteria: Invitae Variant Classification Sherloc (09022015). Collection method: clinical testing. Allele origin: germline.
Comment: In summary, the available evidence is currently insufficient to determine the role of this variant in disease. Therefore, it has been classified as a Variant of Uncertain Significance. Algorithms developed to predict the effect of missense changes on protein structure and function (SIFT, PolyPhen-2, Align-GVGD) all suggest that this variant is likely to be tolerated, but these predictions have not been confirmed by published functional studies and their clinical significance is uncertain. This variant has not been reported in the literature in individuals with PARK7-related disease. This variant is present in population databases (rs777026628, ExAC 0.001%). This sequence change replaces alanine with serine at codon 171 of the PARK7 protein (p.Ala171Ser). The alanine residue is weakly conserved and there is a moderate physicochemical difference between alanine and serine.